The following is an entry in ClinVar:

NM_001130987.2(DYSF):c.3167G>A (p.Arg1056Gln)

Gene: DYSF (dysferlin; plus strand). Cytogenetic location: 2p13.2.
Variant type: single nucleotide variant.
Coding change: c.3167G>A on transcript NM_001130987.2 (MANE Select); coding-DNA position 3167, G replaced by A.
Protein change: p.Arg1056Gln; replaces arginine 1056 with glutamine.
Molecular consequence: missense variant.
Genome position (GRCh38, 1-based): chr2:71,570,680, G>A. VCF-style: chr2-71570680-G-A. GRCh37 (hg19) VCF-style: chr2-71797810-G-A.
Other names: NM_001130455.1(DYSF):c.3116G>A(p.Arg1039Gln); NM_001130976.1(DYSF):c.3071G>A(p.Arg1024Gln); NM_001130977.1(DYSF):c.3071G>A(p.Arg1024Gln); NM_001130978.1(DYSF):c.3113G>A(p.Arg1038Gln); NM_001130979.1(DYSF):c.3206G>A(p.Arg1069Gln); NM_001130980.1(DYSF):c.3164G>A(p.Arg1055Gln); NM_001130981.1(DYSF):c.3164G>A(p.Arg1055Gln); NM_001130982.1(DYSF):c.3209G>A(p.Arg1070Gln); and 16 more; short protein forms R1038Q, R1056Q, R1024Q, R1055Q, R1069Q, R1070Q, R1025Q, R1039Q.
Identifiers: ClinVar variation 242418 (VCV000242418.82), dbSNP rs150877497, ClinGen allele CA1706448.

ClinVar aggregate classification (germline): Pathogenic. Review status: reviewed by expert panel (3 of 4 stars). 20 submissions from 20 submitters: Pathogenic (1). 19 of the submissions do not count toward it. Last evaluated 2025-02-25.

Conditions:
DYSF-related disorder. Also called: DYSF-related disorders; DYSF-related condition.
Autosomal recessive limb-girdle muscular dystrophy. Identifiers: Orphanet 102015, MedGen C2931907, MONDO:0015152.
Miyoshi muscular dystrophy 1 (MMD1). Identifiers: Orphanet 45448, MedGen C4551973, MONDO:0024545, OMIM 254130.
Autosomal recessive limb-girdle muscular dystrophy type 2B (LGMDR2). Also called: Limb-Girdle Muscular Dystrophy Type 2B (LGMD2B); Limb-girdle muscular dystrophy, type 2B; MUSCULAR DYSTROPHY, LIMB-GIRDLE, AUTOSOMAL RECESSIVE 2; MUSCULAR DYSTROPHY, LIMB-GIRDLE, TYPE 3. Identifiers: Orphanet 268, MedGen C1850889, MONDO:0009676, OMIM 253601.
Distal myopathy with anterior tibial onset. Identifiers: Orphanet 178400, MedGen C1847532, MONDO:0011721, OMIM 606768.
Neuromuscular disease caused by qualitative or quantitative defects of dysferlin. Also called: Qualitative or quantitative defects of dysferlin; Dysferlinopathy. Identifiers: Orphanet 207073, MedGen C2931687, MONDO:0016145.

Allele frequency attached by ClinVar (database versions not stated): TOPMed 0.00003; ESP Exome Variant Server 0.00015; gnomAD 0.00001; ExAC 0.00011.
gnomAD v4.1: 58 of 1,613,972 alleles (0.0036%); highest among the groups gnomAD compares: Non-Finnish European, 0.0043%; no homozygotes.

Submissions 1 to 11 of 20:

ClinGen Limb Girdle Muscular Dystrophy Variant Curation Expert Panel, ClinGen
Classification: Pathogenic for Autosomal recessive limb-girdle muscular dystrophy. Last evaluated: 2025-02-25. Review status: reviewed by expert panel. Criteria: ClinGen LGMD VCEP ACMG Specifications DYSF V1.0.0. Collection method: curation. Allele origin: germline. Inheritance: Autosomal recessive inheritance.
Comment: The NM_003494.4: c.3113G>A variant in DYSF, which is also known as NM_001130987.2: c.3167G>A (p.Arg1056Gln), is a missense variant predicted to cause substitution of arginine by glutamine at amino acid 1038, p.(Arg1038Gln). This variant has been detected in at least seven patients with features consistent with LGMD (PMID: 36983702, 26404900, 34559919, 14678801, 30919934, 27854218, 21522182), including in a homozygous state (0.5 pts, PMID: 30919934) and confirmed in trans (NM_003494.4: c.2643+1G>A, 1.0 pt, PMID: 27854218) and in unknown phase (NM_003494.4: c.5979dup p.(Glu1994ArgfsTer3), 0.25 pts, PMID: 14678801, 26404900; NM_003494.4: c.2077delC p.(His693ThrfsTer4), 0.25 pts, PMID: 21522182) with a variant classified as at least likely pathogenic (PM3_Strong). At least one patient with this variant displayed a clinical suspicion or diagnosis of LGMD and absent or severely reduced dysferlin protein expression, which is highly specific for DYSF-associated LGMD (PP4_Strong, PMID: 36983702, 14678801, 21522182). The filtering allele frequency of this variant is 0.000056915 (the upper threshold of the 95% CI of 50/1111952 European (non-Finnish) exome chromosomes) in gnomAD v4.1.0, which is less than the ClinGen LGMD VCEP threshold (≤0.0001) (PM2_Supporting). Immunofluorescence and 2-A assays of dysferlin membrane localization in HEK293T cells showed the Arg1038Gln protein did not reach the cell membrane, indicating an impact on protein function (PMID: 35028538) (PS3_Moderate). The computational predictor REVEL gives a score of 0.94, which is above the LGMD VCEP threshold of 0.70, evidence that correlates with impact to DYSF function (PP3). In summary, this variant meets the criteria to be classified as Pathogenic for autosomal recessive limb-girdle muscular dystrophy based on the ACMG/AMP criteria applied, as specified by the ClinGen LGMD VCEP (LGMD VCEP specifications version 1.0.0; 02/25/2025): PM3_Strong, PP4_Strong, PM2_Supporting, PS3_Moderate, PP3.

3billion
Classification: Likely pathogenic for DYSF-related disorder. Last evaluated: 2025-12-15. Review status: criteria provided, single submitter. Criteria: ACMG Guidelines, 2015. Collection method: clinical testing. Allele origin: germline. Affected: yes. Not counted in ClinVar's aggregate classification.
Comment: The variant is observed at an extremely low frequency in the gnomAD v4.1.0 dataset (total allele frequency: 0.004%). Predicted Consequence/Location: Missense variant In silico tool predictions suggest damaging effect of the variant on gene or gene product [REVEL: 0.94 (>=0.6, sensitivity 0.68 and specificity 0.92); 3Cnet: 0.96 (> 0.75, sensitivity 0.96 and precision 0.92)]. The same nucleotide change resulting in the same amino acid change has been previously reported as pathogenic/likely pathogenic with strong evidence (ClinVar ID: VCV000242418 /PMID: 14678801 /3billion dataset). A different missense change at the same codon (p.Arg1056Pro) has been reported as pathogenic/likely pathogenic with strong evidence (ClinVar ID: VCV002912979 /PMID: 33610434). Therefore, this variant is classified as Likely pathogenic according to the recommendation of ACMG/AMP guideline.

GeneDx
Classification: Pathogenic. Last evaluated: 2025-11-20. Review status: criteria provided, single submitter. Criteria: GeneDx Variant Classification Process June 2021. Collection method: clinical testing. Allele origin: germline. Affected: yes. Not counted in ClinVar's aggregate classification.
Comment: Not observed at significant frequency in large population cohorts (gnomAD); In silico analysis supports that this missense variant has a deleterious effect on protein structure/function; This variant is associated with the following publications: (PMID: 16100712, 18853459, 29382405, 33927379, 30028523, 30564623, 27821570, 32140910, 33215690, 32528171, 33715265, 34559919, 26404900, 24438169, 36983702, 25591676, 37974208, 37721175, 14678801, 30919934, 18276788, 18832576, 21522182, 25868377, 27363342)

Natera, Inc.
Classification: Pathogenic for Limb-girdle muscular dystrophy type 2B. Last evaluated: 2025-10-29. Review status: criteria provided, single submitter. Criteria: Natera Variant Classification Schema (03/2026). Collection method: clinical testing. Allele origin: germline. Not counted in ClinVar's aggregate classification.
Comment: The c.3113G>A variant in DYSF is a missense variant predicted to cause substitution of arginine to glutamine at amino acid 1038. This variant is rare in the general population with a frequency below the threshold expected for the associated phenotype(s). This variant has been observed in one or more individuals affected with the associated recessive disease, as either homozygous or compound heterozygous with a second variant (PMID: 33560664, 27854218). Given the available evidence, this variant is classified as Pathogenic.

Labcorp Genetics (formerly Invitae), Labcorp
Classification: Pathogenic for Neuromuscular disease caused by qualitative or quantitative defects of dysferlin. Last evaluated: 2025-07-30. Review status: criteria provided, single submitter. Criteria: Invitae Variant Classification Sherloc (09022015). Collection method: clinical testing. Allele origin: germline. Not counted in ClinVar's aggregate classification.
Comment: This sequence change replaces arginine, which is basic and polar, with glutamine, which is neutral and polar, at codon 1038 of the DYSF protein (p.Arg1038Gln). This variant is present in population databases (rs150877497, gnomAD 0.01%). This missense change has been observed in individual(s) with DYSF-related conditions (PMID: 14678801, 18832576, 18853459, 25591676, 27821570). This variant is also known as p.Arg1056Gln. ClinVar contains an entry for this variant (Variation ID: 242418). Invitae Evidence Modeling of protein sequence and biophysical properties (such as structural, functional, and spatial information, amino acid conservation, physicochemical variation, residue mobility, and thermodynamic stability) indicates that this missense variant is expected to disrupt DYSF protein function with a positive predictive value of 95%. Experimental studies have shown that this missense change affects DYSF function (PMID: 27821570). For these reasons, this variant has been classified as Pathogenic.

Revvity Omics, Revvity
Classification: Pathogenic. Last evaluated: 2025-07-09. Review status: criteria provided, single submitter. Criteria: ACMG Guidelines, 2015. Collection method: clinical testing. Allele origin: germline. Not counted in ClinVar's aggregate classification.

Fulgent Genetics
Classification: Pathogenic for Autosomal recessive limb-girdle muscular dystrophy type 2B; Miyoshi muscular dystrophy 1; Distal myopathy with anterior tibial onset. Last evaluated: 2024-04-27. Review status: criteria provided, single submitter. Criteria: ACMG Guidelines, 2015. Collection method: clinical testing. Allele origin: germline. Not counted in ClinVar's aggregate classification.

Baylor Genetics
Classification: Pathogenic for Miyoshi muscular dystrophy 1. Last evaluated: 2024-02-22. Review status: criteria provided, single submitter. Criteria: ACMG Guidelines, 2015. Collection method: clinical testing. Allele origin: unknown. Not counted in ClinVar's aggregate classification.

Kariminejad - Najmabadi Pathology & Genetics Center
Classification: Likely pathogenic for Autosomal recessive limb-girdle muscular dystrophy type 2B. Last evaluated: 2023-09-29. Review status: criteria provided, single submitter. Criteria: ACMG Guidelines, 2015. Collection method: clinical testing. Allele origin: germline. Inheritance: Autosomal recessive inheritance. Affected: yes. Observed: 2 variant alleles. Not counted in ClinVar's aggregate classification.
Comment: PM2,PP3,PP5_strong

Department of Pathology and Laboratory Medicine, Sinai Health System
Classification: Pathogenic for autosomal recessive limb-girdle muscular dystrophy. Last evaluated: 2023-05-29. Review status: criteria provided, single submitter. Criteria: ACMG Guidelines, 2015. Collection method: research. Allele origin: germline. Not counted in ClinVar's aggregate classification.

Centre for Mendelian Genomics, University Medical Centre Ljubljana
Classification: Likely pathogenic for Distal myopathy with anterior tibial onset. Last evaluated: 2019-03-21. Review status: criteria provided, single submitter. Criteria: ACMG Guidelines, 2015. Collection method: clinical testing. Allele origin: unknown. Affected: yes. Not counted in ClinVar's aggregate classification.
Comment: This variant was classified as: Likely pathogenic. The following ACMG criteria were applied in classifying this variant: PS1,PM2,PP3. This variant was detected in homozygous state.